The following is an entry in ClinVar:

NM_031935.3(HMCN1):c.11785C>T (p.His3929Tyr)

Gene: HMCN1 (hemicentin 1; plus strand). Cytogenetic location: 1q31.1.
Variant type: single nucleotide variant.
Coding change: c.11785C>T on transcript NM_031935.3 (MANE Select); coding-DNA position 11785, C replaced by T.
Protein change: p.His3929Tyr; replaces histidine 3929 with tyrosine.
Molecular consequence: missense variant.
Genome position (GRCh38, 1-based): chr1:186,117,560, C>T. VCF-style: chr1-186117560-C-T. GRCh37 (hg19) VCF-style: chr1-186086692-C-T.
Other names: short protein forms H3929Y.
Identifiers: ClinVar variation 2841871 (VCV002841871.3), dbSNP rs2528017207, ClinGen allele CA343946207.

ClinVar aggregate classification (germline): Uncertain significance (1 of 4 stars; one submission).

Allele frequency attached by ClinVar (database versions not stated): gnomAD exomes below 0.00001.
gnomAD v4.1: 2 of 1,613,862 alleles (0.00012%); highest among the groups gnomAD compares: South Asian, 0.0022%; no homozygotes.

Submission:

Labcorp Genetics (formerly Invitae), Labcorp
Classification: Uncertain significance. Last evaluated: 2023-12-18. Review status: criteria provided, single submitter. Criteria: Invitae Variant Classification Sherloc (09022015). Collection method: clinical testing. Allele origin: germline.
Comment: This sequence change replaces histidine, which is basic and polar, with tyrosine, which is neutral and polar, at codon 3929 of the HMCN1 protein (p.His3929Tyr). This variant is not present in population databases (gnomAD no frequency). This variant has not been reported in the literature in individuals affected with HMCN1-related conditions. An algorithm developed to predict the effect of missense changes on protein structure and function (PolyPhen-2) suggests that this variant is likely to be disruptive. In summary, the available evidence is currently insufficient to determine the role of this variant in disease. Therefore, it has been classified as a Variant of Uncertain Significance.